The following is an entry in ClinVar:

NM_004963.4(GUCY2C):c.483G>A (p.Met161Ile)

Genes: GUCY2C-AS1 (GUCY2C antisense RNA 1; plus strand), GUCY2C (guanylate cyclase 2C; minus strand). Cytogenetic location: 12p12.3.
Variant type: single nucleotide variant.
Coding change: c.483G>A on transcript NM_004963.4 (MANE Select); coding-DNA position 483, G replaced by A.
Protein change: p.Met161Ile; replaces methionine 161 with isoleucine.
Molecular consequence: missense variant.
Genome position (GRCh38, 1-based): chr12:14,683,170, C>T on the plus strand (G>A on the coding strand, the complement: GUCY2C is on the minus strand). VCF-style: chr12-14683170-C-T. GRCh37 (hg19) VCF-style: chr12-14836104-C-T.
Other names: short protein forms M161I.
Identifiers: ClinVar variation 2780542 (VCV002780542.3), dbSNP rs1948385140, ClinGen allele CA384006359.

ClinVar aggregate classification (germline): Uncertain significance (1 of 4 stars; one submission).

Allele frequency attached by ClinVar (database versions not stated): TOPMed 0.00001.

Submission:

Labcorp Genetics (formerly Invitae), Labcorp
Classification: Uncertain significance. Last evaluated: 2023-08-28. Review status: criteria provided, single submitter. Criteria: Invitae Variant Classification Sherloc (09022015). Collection method: clinical testing. Allele origin: germline.
Comment: In summary, the available evidence is currently insufficient to determine the role of this variant in disease. Therefore, it has been classified as a Variant of Uncertain Significance. Advanced modeling of protein sequence and biophysical properties (such as structural, functional, and spatial information, amino acid conservation, physicochemical variation, residue mobility, and thermodynamic stability) performed at Invitae indicates that this missense variant is not expected to disrupt GUCY2C protein function. This variant has not been reported in the literature in individuals affected with GUCY2C-related conditions. This variant is not present in population databases (gnomAD no frequency). This sequence change replaces methionine, which is neutral and non-polar, with isoleucine, which is neutral and non-polar, at codon 161 of the GUCY2C protein (p.Met161Ile).